The following is an entry in ClinVar:

NC_000020.11:g.62476403C>T

Gene: GATA5 (GATA binding protein 5; minus strand). Cytogenetic location: 20q13.33.
Variant type: single nucleotide variant.
Genome position: GRCh38 VCF-style: chr20-62476403-C-T. GRCh37 (hg19) VCF-style: chr20-61051459-C-T.
Identifiers: ClinVar variation 3047650 (VCV003047650.2), dbSNP rs1989869320, ClinGen allele CA1019183299.

ClinVar aggregate classification (germline): Likely benign (0 of 4 stars; one submission).

Conditions:
GATA5-related disorder. Also called: GATA5-related condition.

Allele frequency attached by ClinVar (database versions not stated): gnomAD 0.00001.

Submission:

PreventionGenetics, part of Exact Sciences
Classification: Likely benign for GATA5-related condition. Last evaluated: 2022-05-23. Review status: no assertion criteria provided. Collection method: clinical testing. Allele origin: germline.
Comment: This variant is classified as likely benign based on ACMG/AMP sequence variant interpretation guidelines (Richards et al. 2015 PMID: 25741868, with internal and published modifications).